The following is an entry in ClinVar:

NM_004006.3(DMD):c.4376G>T (p.Arg1459Leu)

Gene: DMD (dystrophin; minus strand). Cytogenetic location: Xp21.1.
Variant type: single nucleotide variant.
Coding change: c.4376G>T on transcript NM_004006.3 (MANE Select); coding-DNA position 4376, G replaced by T.
Protein change: p.Arg1459Leu; replaces arginine 1459 with leucine.
Molecular consequence: missense variant.
Genome position (GRCh38, 1-based): chrX:32,389,643, C>A on the plus strand (G>T on the coding strand, the complement: DMD is on the minus strand). VCF-style: chrX-32389643-C-A. GRCh37 (hg19) VCF-style: chrX-32407760-C-A.
Other names: c.4352G>T, p.Arg1451Leu (NM_000109.4); c.4364G>T, p.Arg1455Leu (NM_004009.3); c.4007G>T, p.Arg1336Leu (NM_004010.3); c.353G>T, p.Arg118Leu (NM_004011.4); c.344G>T, p.Arg115Leu (NM_004012.4); short protein forms R115L, R118L, R1336L, R1451L, R1455L, R1459L.
Identifiers: ClinVar variation 3360841 (VCV003360841.2).

ClinVar aggregate classification (germline): Uncertain significance. Review status: criteria provided, multiple submitters, no conflicts (2 of 4 stars). 2 submissions from 2 submitters: Uncertain significance (2). Last evaluated 2025-10-29.

Conditions:
Duchenne muscular dystrophy (DMD). Also called: Duchenne Muscular Dystrophy (DMD); MUSCULAR DYSTROPHY, PSEUDOHYPERTROPHIC PROGRESSIVE, DUCHENNE TYPE. Identifiers: Orphanet 98896, MedGen C0013264, MONDO:0010679, OMIM 310200.

Submissions (2):

Labcorp Genetics (formerly Invitae), Labcorp
Classification: Uncertain significance for Duchenne muscular dystrophy. Last evaluated: 2025-10-29. Review status: criteria provided, single submitter. Criteria: Invitae Variant Classification Sherloc (09022015). Collection method: clinical testing. Allele origin: germline.
Comment: This sequence change replaces arginine, which is basic and polar, with leucine, which is neutral and non-polar, at codon 1459 of the DMD protein (p.Arg1459Leu). This variant is not present in population databases (gnomAD no frequency). This variant has not been reported in the literature in individuals affected with DMD-related conditions. ClinVar contains an entry for this variant (Variation ID: 3360841). Invitae Evidence Modeling of protein sequence and biophysical properties (such as structural, functional, and spatial information, amino acid conservation, physicochemical variation, residue mobility, and thermodynamic stability) indicates that this missense variant is not expected to disrupt DMD protein function with a negative predictive value of 95%. Algorithms developed to predict the effect of sequence changes on RNA splicing suggest that this variant may create or strengthen a splice site. In summary, the available evidence is currently insufficient to determine the role of this variant in disease. Therefore, it has been classified as a Variant of Uncertain Significance.

GeneDx
Classification: Uncertain significance. Last evaluated: 2023-07-10. Review status: criteria provided, single submitter. Criteria: GeneDx Variant Classification Process June 2021. Collection method: clinical testing. Allele origin: germline. Affected: yes.
Comment: Not observed at significant frequency in large population cohorts (gnomAD); In silico analysis supports a deleterious effect on splicing; Has not been previously published as pathogenic or benign to our knowledge.